The following is an entry in ClinVar:

ClinVar aggregate classification (germline): Uncertain significance. Review status: criteria provided, multiple submitters, no conflicts (2 of 4 stars). 2 submissions from 2 submitters: Uncertain significance (2). Last evaluated 2025-09-16.

Allele frequency attached by ClinVar (database versions not stated): TOPMed 0.00002.
gnomAD v4.1: 4 of 1,559,194 alleles (0.00026%); highest among the groups gnomAD compares: Non-Finnish European, 0.00017%; no homozygotes.

Submissions (2):

Labcorp Genetics (formerly Invitae), Labcorp
Classification: Uncertain significance. Last evaluated: 2025-09-16. Review status: criteria provided, single submitter. Criteria: Invitae Variant Classification Sherloc (09022015). Collection method: clinical testing. Allele origin: germline.
Comment: This sequence change replaces alanine, which is neutral and non-polar, with threonine, which is neutral and polar, at codon 885 of the PITPNM3 protein (p.Ala885Thr). This variant is not present in population databases (gnomAD no frequency). This variant has not been reported in the literature in individuals affected with PITPNM3-related conditions. ClinVar contains an entry for this variant (Variation ID: 954212). Invitae Evidence Modeling of protein sequence and biophysical properties (such as structural, functional, and spatial information, amino acid conservation, physicochemical variation, residue mobility, and thermodynamic stability) indicates that this missense variant is not expected to disrupt PITPNM3 protein function with a negative predictive value of 80%. In summary, the available evidence is currently insufficient to determine the role of this variant in disease. Therefore, it has been classified as a Variant of Uncertain Significance.

Blueprint Genetics
Classification: Uncertain significance. Last evaluated: 2020-05-06. Review status: criteria provided, single submitter. Criteria: ACMG Guidelines, 2015. Collection method: clinical testing. Allele origin: germline.

NM_031220.4(PITPNM3):c.2653G>A (p.Ala885Thr)

Gene: PITPNM3 (PITPNM family member 3; minus strand). Cytogenetic location: 17p13.2.
Variant type: single nucleotide variant.
Coding change: c.2653G>A on transcript NM_031220.4 (MANE Select); coding-DNA position 2653, G replaced by A.
Protein change: p.Ala885Thr; replaces alanine 885 with threonine.
Molecular consequence: missense variant.
Genome position (GRCh38, 1-based): chr17:6,455,610, C>T on the plus strand (G>A on the coding strand, the complement: PITPNM3 is on the minus strand). VCF-style: chr17-6455610-C-T. GRCh37 (hg19) VCF-style: chr17-6358930-C-T.
Other names: c.2545G>A, p.Ala849Thr (NM_001165966.2); short protein forms A849T, A885T.
Identifiers: ClinVar variation 954212 (VCV000954212.10), dbSNP rs368347727, ClinGen allele CA397401238.